The following is an entry in ClinVar:

ClinVar aggregate classification (germline): Likely pathogenic. Review status: criteria provided, multiple submitters, no conflicts (2 of 4 stars). 2 submissions from 2 submitters: Likely pathogenic (2). Last evaluated 2023-01-26.

Conditions:
Mitochondrial DNA deletion syndrome with progressive myopathy. Also called: PROGRESSIVE EXTERNAL OPHTHALMOPLEGIA, AUTOSOMAL DOMINANT 6; Progressive external ophthalmoplegia with mitochondrial DNA deletions, autosomal dominant 6. Identifiers: Orphanet 352470, MedGen C3554599, MONDO:0014062, OMIM 615156.

Submissions (2):

Department of Pathology and Laboratory Medicine, Sinai Health System
Classification: Likely pathogenic for mitochondrial DNA deletion syndrome with progressive myopathy. Last evaluated: 2023-01-26. Review status: criteria provided, single submitter. Criteria: ACMG Guidelines, 2015. Collection method: research. Allele origin: germline.

GeneDx
Classification: Likely pathogenic. Last evaluated: 2017-12-06. Review status: criteria provided, single submitter. Criteria: GeneDx Variant Classification (06012015). Collection method: clinical testing. Allele origin: germline. Affected: yes.
Comment: The c.73_74+10del12 variant in the DNA2 gene has not been reported previously as a pathogenic variant nor as a benign variant, to our knowledge. This variant destroys the canonical splice donor site of intron 1, and is expected to cause abnormal gene splicing. The c.73_74+10del12 variant is not observed in large population cohorts (Lek et al., 2016). We interpret c.73_74+10del12 as a likely pathogenic variant.

NM_001080449.3(DNA2):c.73_74+10del

Gene: DNA2 (DNA replication helicase/nuclease 2; minus strand). Cytogenetic location: 10q21.3.
Variant type: Deletion.
Coding change: c.73_74+10del on transcript NM_001080449.3 (MANE Select); coding-DNA position 73 through 10 bases into the intron after coding-DNA position 74, 12 bases deleted (CTGTGAGCGGAG).
Molecular consequence: splice donor variant.
Genome position (GRCh38, 1-based): chr10:68,471,781-68,471,792, CTCCGCTCACAG deleted on the plus strand (CTGTGAGCGGAG on the coding strand, the reverse complement: DNA2 is on the minus strand); deleting any 12 consecutive bases within chr10:68,471,781-68,471,798 gives the same sequence; the c. name uses the placement nearest the transcript's 3' end. VCF-style (leftmost placement, unchanged base first): chr10-68471780-TCTCCGCTCACAG-T. GRCh37 (hg19) VCF-style: chr10-70231537-TCTCCGCTCACAG-T.
Other names: c.73_74+10delCTGTGAGCGGAG (NM_001080449.2).
Identifiers: ClinVar variation 503930 (VCV000503930.3), dbSNP rs1554911807, ClinGen allele CA658797428.